The following is an entry in ClinVar:

NM_003177.7(SYK):c.1649C>T (p.Ser550Phe)

Gene: SYK (spleen associated tyrosine kinase; plus strand). Cytogenetic location: 9q22.2.
Variant type: single nucleotide variant.
Coding change: c.1649C>T on transcript NM_003177.7 (MANE Select); coding-DNA position 1649, C replaced by T.
Protein change: p.Ser550Phe; replaces serine 550 with phenylalanine.
Molecular consequence: missense variant.
Genome position (GRCh38, 1-based): chr9:90,887,816, C>T. VCF-style: chr9-90887816-C-T. GRCh37 (hg19) VCF-style: chr9-93650098-C-T.
Other names: c.1580C>T, p.Ser527Phe (NM_001135052.4, NM_001174168.3); c.1649C>T, p.Ser550Phe (NM_001174167.3); short protein forms S527F, S550F.
Identifiers: ClinVar variation 989386 (VCV000989386.10), dbSNP rs1828636794, ClinGen allele CA373803081.

ClinVar aggregate classification (germline): Conflicting classifications of pathogenicity. Review status: criteria provided, conflicting classifications (1 of 4 stars). 3 submissions from 3 submitters: Pathogenic (1); Uncertain significance (1). 1 of the submissions does not count toward it. Last evaluated 2021-08-15.

Conditions:
Immunodeficiency 82 with systemic inflammation. Identifiers: Orphanet 695807, MedGen C5543581, MONDO:0030308, OMIM 619381.
Skin rash. Identifiers: MedGen C5779628, HP:0000988.
Joint swelling. Identifiers: MedGen C0152031, HP:0001386.
Immunodeficiency. Identifiers: MedGen C0021051, MONDO:0021094, HP:0002721.
Colitis. Identifiers: MedGen C0009319, MONDO:0005292, HP:0002583.
Decreased circulating immunoglobulin concentration. Also called: Decreased antibody level in blood; Decreased circulating antibody concentration. Identifiers: MedGen C4048270, HP:0004313.

Submissions (3):

Labcorp Genetics (formerly Invitae), Labcorp
Classification: Uncertain significance. Last evaluated: 2021-08-15. Review status: criteria provided, single submitter. Criteria: Invitae Variant Classification Sherloc (09022015). Collection method: clinical testing. Allele origin: germline.
Comment: Experimental studies have shown that this missense change affects SYK function (PMID: 33782605). This sequence change replaces serine with phenylalanine at codon 550 of the SYK protein (p.Ser550Phe). The serine residue is highly conserved and there is a large physicochemical difference between serine and phenylalanine. This variant is not present in population databases (ExAC no frequency). This missense change has been observed in individual(s) with SYK-related conditions (PMID: 33782605). ClinVar contains an entry for this variant (Variation ID: 989386). Algorithms developed to predict the effect of missense changes on protein structure and function (SIFT, PolyPhen-2, Align-GVGD) all suggest that this variant is likely to be disruptive. This variant disrupts the p.Ser550 amino acid residue in SYK. Other variant(s) that disrupt this residue have been determined to be pathogenic (PMID: 33782605). This suggests that this residue is clinically significant, and that variants that disrupt this residue are likely to be disease-causing. In summary, the available evidence is currently insufficient to determine the role of this variant in disease. Therefore, it has been classified as a Variant of Uncertain Significance.

Aleixo Muise Laboratory, Hospital For Sick Children
Classification: Pathogenic for Decreased circulating immunoglobulin concentration; Immunodeficiency; Colitis; Skin rash; Joint swelling. Last evaluated: 2020-12-10. Review status: criteria provided, single submitter. Criteria: ACMG Guidelines, 2015. Collection method: research. Allele origin: germline, unknown, not applicable. Inheritance: Autosomal dominant inheritance. Affected: yes. Observed: 2 heterozygotes. Clinical features observed: Arthritis (HP:0001369), Postauricular pit (HP:0004464), Recurrent fever (HP:0001954), Diarrhea (HP:0002014), Elevated circulating C-reactive protein concentration (HP:0011227), Vasculitis (HP:0002633), Cholesteatoma (HP:0009797). Functional consequence: protein gain of function.
Comment: seen in two affected individuals a parent and their child

OMIM
Classification: Pathogenic for IMMUNODEFICIENCY 82 WITH SYSTEMIC INFLAMMATION. Last evaluated: 2021-06-21. Review status: no assertion criteria provided. Collection method: literature only. Allele origin: germline. Not counted in ClinVar's aggregate classification.

Literature cited by the submitters: PubMed 33782605 (cited by Labcorp Genetics (formerly Invitae), Labcorp and OMIM).